The following is an entry in ClinVar:

ClinVar aggregate classification (germline): Uncertain significance (1 of 4 stars; one submission).

Submission:

Labcorp Genetics (formerly Invitae), Labcorp
Classification: Uncertain significance. Last evaluated: 2022-05-21. Review status: criteria provided, single submitter. Criteria: Invitae Variant Classification Sherloc (09022015). Collection method: clinical testing. Allele origin: germline.
Comment: This variant has not been reported in the literature in individuals affected with WDR62-related conditions. In summary, the available evidence is currently insufficient to determine the role of this variant in disease. Therefore, it has been classified as a Variant of Uncertain Significance. Algorithms developed to predict the effect of missense changes on protein structure and function are either unavailable or do not agree on the potential impact of this missense change (SIFT: "Deleterious"; PolyPhen-2: "Probably Damaging"; Align-GVGD: "Class C0"). This variant is not present in population databases (gnomAD no frequency). This sequence change replaces leucine, which is neutral and non-polar, with proline, which is neutral and non-polar, at codon 66 of the WDR62 protein (p.Leu66Pro).

NM_001083961.2(WDR62):c.197T>C (p.Leu66Pro)

Gene: WDR62 (WD repeat domain 62; plus strand). Cytogenetic location: 19q13.12.
Variant type: single nucleotide variant.
Coding change: c.197T>C on transcript NM_001083961.2 (MANE Select); coding-DNA position 197, T replaced by C.
Protein change: p.Leu66Pro; replaces leucine 66 with proline.
Molecular consequence: missense variant.
Genome position (GRCh38, 1-based): chr19:36,058,799, T>C. VCF-style: chr19-36058799-T-C. GRCh37 (hg19) VCF-style: chr19-36549701-T-C.
Other names: c.197T>C, p.Leu66Pro (NM_001411145.1, NM_001411146.1, NM_001411147.1 and 1 more transcripts); short protein forms L66P.
Identifiers: ClinVar variation 1997770 (VCV001997770.4), dbSNP rs2513392530, ClinGen allele CA405424904.
Genomic context (GRCh38, chr19:36,058,799, plus strand): 5'-GGCTAGGGTGGGTGCCTCTGACTTGGGCTTTTTCTTTGCAGGTGTCACTCGAGAAGGTGC[T>C]TGGCATCACAGCCCAGAACAGCAGTGGCCTAACCTGTGACCCCGGCACAGGCCATGTGGC-3'
Protein context (NP_001077430.1, residues 56-76): VQNRVSLEKV[Leu66Pro]GITAQNSSGL